The following is an entry in ClinVar:

ClinVar aggregate classification (germline): Uncertain significance (1 of 4 stars; one submission).

gnomAD v4.1: 4 of 1,596,110 alleles (0.00025%); highest among the groups gnomAD compares: Non-Finnish European, 0.00034%; no homozygotes.

Submission:

GeneDx
Classification: Uncertain significance. Last evaluated: 2024-10-18. Review status: criteria provided, single submitter. Criteria: GeneDx Variant Classification Process June 2021. Collection method: clinical testing. Allele origin: germline. Affected: yes.
Comment: Not observed at significant frequency in large population cohorts (gnomAD); In silico analysis indicates that this missense variant does not alter protein structure/function; Has not been previously published as pathogenic or benign to our knowledge

NM_001009944.3(PKD1):c.7843C>G (p.Leu2615Val)

Gene: PKD1 (polycystin 1, transient receptor potential channel interacting; minus strand). Cytogenetic location: 16p13.3.
Variant type: single nucleotide variant.
Coding change: c.7843C>G on transcript NM_001009944.3 (MANE Select); coding-DNA position 7843, C replaced by G.
Protein change: p.Leu2615Val; replaces leucine 2615 with valine.
Molecular consequence: missense variant.
Genome position (GRCh38, 1-based): chr16:2,105,885, G>C on the plus strand (C>G on the coding strand, the complement: PKD1 is on the minus strand). VCF-style: chr16-2105885-G-C. GRCh37 (hg19) VCF-style: chr16-2155886-G-C.
Other names: c.7843C>G, p.Leu2615Val (NM_000296.4); short protein forms L2615V.
Identifiers: ClinVar variation 3781177 (VCV003781177.1).